The following is an entry in ClinVar:

ClinVar aggregate classification (germline): Uncertain significance (1 of 4 stars; one submission).

Submission:

Labcorp Genetics (formerly Invitae), Labcorp
Classification: Uncertain significance. Last evaluated: 2025-08-18. Review status: criteria provided, single submitter. Criteria: Invitae Variant Classification Sherloc (09022015). Collection method: clinical testing. Allele origin: germline.
Comment: This sequence change falls in intron 12 of the ITGA3 gene. It does not directly change the encoded amino acid sequence of the ITGA3 protein. It affects a nucleotide within the consensus splice site. This variant is present in population databases (no rsID available, gnomAD 0.003%). This variant has not been reported in the literature in individuals affected with ITGA3-related conditions. Variants that disrupt the consensus splice site are a relatively common cause of aberrant splicing (PMID: 17576681, 9536098). Algorithms developed to predict the effect of sequence changes on RNA splicing suggest that this variant is not likely to affect RNA splicing. In summary, the available evidence is currently insufficient to determine the role of this variant in disease. Therefore, it has been classified as a Variant of Uncertain Significance.

Literature cited by the submitters: PubMed 17576681; PubMed 9536098.

NM_002204.4(ITGA3):c.1674+6G>A

Gene: ITGA3 (integrin subunit alpha 3; plus strand). Cytogenetic location: 17q21.33.
Variant type: single nucleotide variant.
Coding change: c.1674+6G>A on transcript NM_002204.4 (MANE Select); 6 bases into the intron after coding-DNA position 1674, G replaced by A.
Molecular consequence: intron variant.
Genome position (GRCh38, 1-based): chr17:50,075,741, G>A. VCF-style: chr17-50075741-G-A. GRCh37 (hg19) VCF-style: chr17-48153105-G-A.
Identifiers: ClinVar variation 4776974 (VCV004776974.1).